The following is an entry in ClinVar:

NM_006922.4(SCN3A):c.3593C>G (p.Thr1198Ser)

Gene: SCN3A (sodium voltage-gated channel alpha subunit 3; minus strand). Cytogenetic location: 2q24.3.
Variant type: single nucleotide variant.
Coding change: c.3593C>G on transcript NM_006922.4 (MANE Select); coding-DNA position 3593, C replaced by G.
Protein change: p.Thr1198Ser; replaces threonine 1198 with serine.
Molecular consequence: missense variant.
Genome position (GRCh38, 1-based): chr2:165,113,892, G>C on the plus strand (C>G on the coding strand, the complement: SCN3A is on the minus strand). VCF-style: chr2-165113892-G-C. GRCh37 (hg19) VCF-style: chr2-165970402-G-C.
Other names: c.3446C>G, p.Thr1149Ser (NM_001081676.2, NM_001081677.2); short protein forms T1198S, T1149S.
Identifiers: ClinVar variation 938942 (VCV000938942.2), dbSNP rs1267526438, ClinGen allele CA349033727.
Genomic context (GRCh38, chr2:165,113,892, plus strand): 5'-AGAAGGATCATGAACACAATGAAAGTCTCAAACCAGTTGTGCTCAACAATACTGTAGCAG[G>C]TTTTTCGAAGATTCCACCAGATCTTCCCTTTGCCTTCTTCTGTACTTACTTGACAGAATG-3'
Protein context (NP_008853.3, residues 1188-1208): KGKIWWNLRK[Thr1198Ser]CYSIVEHNWF

ClinVar aggregate classification (germline): Uncertain significance. Review status: criteria provided, multiple submitters, no conflicts (2 of 4 stars). 2 submissions from 2 submitters: Uncertain significance (2). Last evaluated 2023-07-13.

Allele frequency attached by ClinVar (database versions not stated): gnomAD exomes below 0.00001 and 0.00001.
gnomAD v4.1: 2 of 1,613,688 alleles (0.00012%); highest among the groups gnomAD compares: South Asian, 0.0022%; no homozygotes.

Submissions (2):

GeneDx
Classification: Uncertain significance. Last evaluated: 2023-07-13. Review status: criteria provided, single submitter. Criteria: GeneDx Variant Classification Process June 2021. Collection method: clinical testing. Allele origin: germline. Affected: yes.
Comment: In silico analysis supports that this missense variant has a deleterious effect on protein structure/function; Has not been previously published as pathogenic or benign to our knowledge

Labcorp Genetics (formerly Invitae), Labcorp
Classification: Uncertain significance. Last evaluated: 2019-07-15. Review status: criteria provided, single submitter. Criteria: Invitae Variant Classification Sherloc (09022015). Collection method: clinical testing. Allele origin: germline.
Comment: This sequence change replaces threonine with serine at codon 1198 of the SCN3A protein (p.Thr1198Ser). The threonine residue is moderately conserved and there is a small physicochemical difference between threonine and serine. This variant is not present in population databases (ExAC no frequency). This variant has not been reported in the literature in individuals with SCN3A-related disease. Algorithms developed to predict the effect of missense changes on protein structure and function are either unavailable or do not agree on the potential impact of this missense change (SIFT: "Deleterious"; PolyPhen-2: "Possibly Damaging"; Align-GVGD: "Class C0"). Algorithms developed to predict the effect of sequence changes on RNA splicing suggest that this variant may create or strengthen a splice site, but this prediction has not been confirmed by published transcriptional studies. In summary, the available evidence is currently insufficient to determine the role of this variant in disease. Therefore, it has been classified as a Variant of Uncertain Significance.